The following is an entry in ClinVar:

ClinVar aggregate classification (germline): Uncertain significance. Review status: criteria provided, multiple submitters, no conflicts (2 of 4 stars). 2 submissions from 2 submitters: Uncertain significance (2). Last evaluated 2022-05-10.

Conditions:
Inborn genetic diseases. Identifiers: MedGen C0950123, MeSH D030342.

Allele frequency attached by ClinVar (database versions not stated): gnomAD 0.00002; TOPMed 0.00004.
gnomAD v4.1: 38 of 1,613,574 alleles (0.0024%); highest among the groups gnomAD compares: East Asian, 0.056%; no homozygotes.

Submissions (2):

Labcorp Genetics (formerly Invitae), Labcorp
Classification: Uncertain significance. Last evaluated: 2022-05-10. Review status: criteria provided, single submitter. Criteria: Invitae Variant Classification Sherloc (09022015). Collection method: clinical testing. Allele origin: germline.
Comment: This sequence change replaces arginine, which is basic and polar, with tryptophan, which is neutral and slightly polar, at codon 701 of the DENND5A protein (p.Arg701Trp). This variant is present in population databases (rs758183835, gnomAD 0.07%). This variant has not been reported in the literature in individuals affected with DENND5A-related conditions. Algorithms developed to predict the effect of missense changes on protein structure and function are either unavailable or do not agree on the potential impact of this missense change (SIFT: "Deleterious"; PolyPhen-2: "Probably Damaging"; Align-GVGD: "Class C0"). In summary, the available evidence is currently insufficient to determine the role of this variant in disease. Therefore, it has been classified as a Variant of Uncertain Significance.

Ambry Genetics
Classification: Uncertain significance for Inborn genetic diseases. Last evaluated: 2021-09-16. Review status: criteria provided, single submitter. Criteria: Ambry Variant Classification Scheme 2023. Collection method: clinical testing. Allele origin: germline.

NM_015213.4(DENND5A):c.2101C>T (p.Arg701Trp)

Genes: DENND5A (DENN domain containing 5A; minus strand), LOC126861134 (CDK7 strongly-dependent group 2 enhancer GRCh37_chr11:9190693-9191892; plus strand). Cytogenetic location: 11p15.4.
Variant type: single nucleotide variant.
Coding change: c.2101C>T on transcript NM_015213.4 (MANE Select); coding-DNA position 2101, C replaced by T.
Protein change: p.Arg701Trp; replaces arginine 701 with tryptophan.
Molecular consequence: missense variant. On other transcripts: non-coding transcript variant (1).
Genome position (GRCh38, 1-based): chr11:9,169,906, G>A on the plus strand (C>T on the coding strand, the complement: DENND5A is on the minus strand). VCF-style: chr11-9169906-G-A. GRCh37 (hg19) VCF-style: chr11-9191453-G-A.
Other names: c.2101C>T, p.Arg701Trp (NM_001243254.2, NM_001348748.1); c.2029C>T, p.Arg677Trp (NM_001348749.2); c.1813C>T, p.Arg605Trp (NM_001348750.2); c.2101C>T (NM_015213.3); short protein forms R677W, R605W, R701W.
Identifiers: ClinVar variation 2070533 (VCV002070533.2), dbSNP rs758183835, ClinGen allele CA5877433.